The following is an entry in ClinVar:

NM_004006.3(DMD):c.6391_6392dup (p.Gln2131fs)

Gene: DMD (dystrophin; minus strand). Cytogenetic location: Xp21.1.
Variant type: Microsatellite.
Coding change: c.6391_6392dup on transcript NM_004006.3 (MANE Select); coding-DNA positions 6391 to 6392, 2 bases duplicated (CA; older notation c.6391_6392dupCA).
Protein change: p.Gln2131fs; shifts the reading frame from glutamine 2131.
Molecular consequence: frameshift variant.
Genome position (GRCh38, 1-based): chrX:32,216,962-32,216,963, TG duplicated on the plus strand (CA on the coding strand, the reverse complement: DMD is on the minus strand); duplicating any 2 consecutive bases within chrX:32,216,962-32,216,966 gives the same sequence; the c. name uses the placement nearest the transcript's 3' end. VCF-style (leftmost placement, unchanged base first): chrX-32216961-T-TTG. GRCh37 (hg19) VCF-style: chrX-32235078-T-TTG.
Other names: c.6392_6393insCA (NM_004006.2); c.6367_6368dup, p.Gln2123fs (NM_000109.4); c.6379_6380dup, p.Gln2127fs (NM_004009.3); c.6022_6023dup, p.Gln2008fs (NM_004010.3); c.2368_2369dup, p.Gln790fs (NM_004011.4); c.2359_2360dup, p.Gln787fs (NM_004012.4); short protein forms Q2008fs, Q2123fs, Q787fs, Q790fs, Q2127fs, Q2131fs.
Identifiers: ClinVar variation 94706 (VCV000094706.15), dbSNP rs398124012, ClinGen allele CA267111.
Genomic context (GRCh38, chrX:32,216,961, plus strand): 5'-AAATCAAAGACTTACCTTAAGATACCATTTGTATTTAGCATGTTCCCAATTCTCAGGAAT[T>TTG]TGTGTCTTTCTGAGAAACTGTTCAGCTTCTGTTAGCCACTGATTAAATATCTTTATATCA-3'

ClinVar aggregate classification (germline): Pathogenic. Review status: criteria provided, multiple submitters, no conflicts (2 of 4 stars). 2 submissions from 2 submitters: Pathogenic (2). Last evaluated 2020-02-29.

Conditions:
Duchenne muscular dystrophy (DMD). Also called: Duchenne Muscular Dystrophy (DMD); MUSCULAR DYSTROPHY, PSEUDOHYPERTROPHIC PROGRESSIVE, DUCHENNE TYPE. Identifiers: Orphanet 98896, MedGen C0013264, MONDO:0010679, OMIM 310200.

Submissions (2):

Labcorp Genetics (formerly Invitae), Labcorp
Classification: Pathogenic for Duchenne muscular dystrophy. Last evaluated: 2020-02-29. Review status: criteria provided, single submitter. Criteria: Invitae Variant Classification Sherloc (09022015). Collection method: clinical testing. Allele origin: germline.
Comment: For these reasons, this variant has been classified as Pathogenic. Loss-of-function variants in DMD are known to be pathogenic (PMID: 16770791, 25007885). This variant has been reported in individuals in the Leiden Open-source Variation Database (PMID: 21520333). This variant is not present in population databases (ExAC no frequency). This sequence change creates a premature translational stop signal (p.Gln2131Hisfs*33) in the DMD gene. It is expected to result in an absent or disrupted protein product.

Eurofins Ntd Llc (ga)
Classification: Pathogenic. Last evaluated: 2016-01-07. Review status: criteria provided, single submitter. Criteria: EGL Classification Definitions. Collection method: clinical testing. Allele origin: germline. Observed: 1 variant allele, 1 heterozygote.

Literature cited by the submitters: PubMed 16770791 (cited by Labcorp Genetics (formerly Invitae), Labcorp); PubMed 25007885 (cited by Labcorp Genetics (formerly Invitae), Labcorp); PubMed 21520333 (cited by Labcorp Genetics (formerly Invitae), Labcorp).